The following is an entry in ClinVar:

NM_001754.5(RUNX1):c.1148C>T (p.Pro383Leu)

Gene: RUNX1 (RUNX family transcription factor 1; minus strand). Cytogenetic location: 21q22.12.
Variant type: single nucleotide variant.
Coding change: c.1148C>T on transcript NM_001754.5 (MANE Select); coding-DNA position 1148, C replaced by T.
Protein change: p.Pro383Leu; replaces proline 383 with leucine.
Molecular consequence: missense variant.
Genome position (GRCh38, 1-based): chr21:34,792,430, G>A on the plus strand (C>T on the coding strand, the complement: RUNX1 is on the minus strand). VCF-style: chr21-34792430-G-A. GRCh37 (hg19) VCF-style: chr21-36164727-G-A.
Other names: NM_001754.5(RUNX1):c.1148C>T; p.Pro383Leu; c.1067C>T, p.Pro356Leu (NM_001001890.3); short protein forms P383L, P356L.
Identifiers: ClinVar variation 2078130 (VCV002078130.5), dbSNP rs2145876196, ClinGen allele CA410147953.

ClinVar aggregate classification (germline): Uncertain significance. Review status: reviewed by expert panel (3 of 4 stars). 2 submissions from 2 submitters: Uncertain significance (1). 1 of the submissions does not count toward it. Last evaluated 2024-07-25.

Conditions:
Hereditary thrombocytopenia and hematologic cancer predisposition syndrome. Identifiers: Orphanet 71290, MedGen CN281654, MONDO:0011071.
Hereditary thrombocytopenia and hematological cancer predisposition syndrome associated with RUNX1. Also called: Familial Platelet Disorder with Propensity to Acute Myelogenous Leukemia; Familial thrombocytopenia with propensity to acute myelogenous leukemia; PLATELET DISORDER, ASPIRIN-LIKE; RUNX1 Familial Platelet Disorder with Associated Myeloid Malignancies. Identifiers: Orphanet 71290, MedGen C1832388, MeSH C563324, MONDO:0100083, OMIM 601399.

Submissions (2):

ClinGen Myeloid Malignancy Variant Curation Expert Panel
Classification: Uncertain significance for Hereditary thrombocytopenia and hematologic cancer predisposition syndrome. Last evaluated: 2024-07-25. Review status: reviewed by expert panel. Criteria: ClinGen MyeloMalig ACMG Specifications v2. Collection method: curation. Allele origin: germline. Inheritance: Autosomal dominant inheritance.
Comment: NM_001754.5(RUNX1):c.1148C>T (p.Pro383Leu) is a missense variant which is completely absent from all population databases with at least 20x coverage for RUNX1 in gnomAD v2.1.1 and v3.1.2 (PM2_supporting). This missense variant has a REVEL score >0.88 (0.906) (PP3). This variant was reported in ClinVar in 2022 by Invitae, but the affected status of the proband is unknown (Variation ID 2078130). In summary, the clinical significance of this variant is uncertain. ACMG/AMP criteria applied, as specified by the Myeloid Malignancy Variant Curation Expert Panel for RUNX1: PM2_supporting, PP3.

Labcorp Genetics (formerly Invitae), Labcorp
Classification: Uncertain significance for Hereditary thrombocytopenia and hematological cancer predisposition syndrome associated with RUNX1. Last evaluated: 2022-07-12. Review status: criteria provided, single submitter. Criteria: Invitae Variant Classification Sherloc (09022015). Collection method: clinical testing. Allele origin: germline. Not counted in ClinVar's aggregate classification.
Comment: This sequence change replaces proline, which is neutral and non-polar, with leucine, which is neutral and non-polar, at codon 383 of the RUNX1 protein (p.Pro383Leu). This variant is not present in population databases (gnomAD no frequency). This variant has not been reported in the literature in individuals affected with RUNX1-related conditions. Algorithms developed to predict the effect of missense changes on protein structure and function are either unavailable or do not agree on the potential impact of this missense change (SIFT: "Deleterious"; PolyPhen-2: "Probably Damaging"; Align-GVGD: "Class C0"). In summary, the available evidence is currently insufficient to determine the role of this variant in disease. Therefore, it has been classified as a Variant of Uncertain Significance.